The following is an entry in ClinVar:

NM_002734.5(PRKAR1A):c.629C>T (p.Pro210Leu)

Gene: PRKAR1A (protein kinase cAMP-dependent type I regulatory subunit alpha; plus strand). Cytogenetic location: 17q24.2.
Variant type: single nucleotide variant.
Coding change: c.629C>T on transcript NM_002734.5 (MANE Select); coding-DNA position 629, C replaced by T.
Protein change: p.Pro210Leu; replaces proline 210 with leucine.
Molecular consequence: missense variant.
Genome position (GRCh38, 1-based): chr17:68,525,833, C>T. VCF-style: chr17-68525833-C-T. GRCh37 (hg19) VCF-style: chr17-66521974-C-T.
Other names: c.629C>T, p.Pro210Leu (NM_001276289.2, NM_001276290.1, NM_001278433.2 and 4 more transcripts); c.629C>T (NM_002734.3); short protein forms P210L.
Identifiers: ClinVar variation 1000356 (VCV001000356.7), dbSNP rs917497011, ClinGen allele CA293291349.
Genomic context (GRCh38, chr17:68,525,833, plus strand): 5'-GGGCAACCAGTGTTGGGGAAGGAGGGAGCTTTGGAGAACTTGCTTTGATTTATGGAACAC[C>T]GAGAGCAGCCACTGTCAAAGCAAAGACAAATGTGAAATTGTGGGGCATCGACCGAGACAG-3'
Protein context (NP_002725.1, residues 200-220): FGELALIYGT[Pro210Leu]RAATVKAKTN

ClinVar aggregate classification (germline): Uncertain significance. Review status: criteria provided, multiple submitters, no conflicts (2 of 4 stars). 2 submissions from 2 submitters: Uncertain significance (2). Last evaluated 2025-05-08.

Conditions:
Hereditary cancer-predisposing syndrome. Also called: Neoplastic Syndromes, Hereditary; Tumor predisposition; Hereditary Cancer Syndrome; Hereditary neoplastic syndrome. Identifiers: Orphanet 140162, MedGen C0027672, MeSH D009386, MONDO:0015356.
Carney complex, type 1 (CNC1). Also called: CARNEY COMPLEX, TYPE I; CARNEY MYXOMA-ENDOCRINE COMPLEX. Identifiers: Orphanet 1359, MedGen C2607929, MONDO:0008057, OMIM 160980.

Allele frequency attached by ClinVar (database versions not stated): gnomAD 0.00001; gnomAD exomes 0.00001; TOPMed 0.00001.
gnomAD v4.1: 5 of 1,613,414 alleles (0.00031%); highest among the groups gnomAD compares: East Asian, 0.0022%; no homozygotes.

Submissions (2):

Labcorp Genetics (formerly Invitae), Labcorp
Classification: Uncertain significance for Carney complex, type 1. Last evaluated: 2025-05-08. Review status: criteria provided, single submitter. Criteria: Invitae Variant Classification Sherloc (09022015). Collection method: clinical testing. Allele origin: germline.
Comment: This sequence change replaces proline, which is neutral and non-polar, with leucine, which is neutral and non-polar, at codon 210 of the PRKAR1A protein (p.Pro210Leu). This variant is present in population databases (no rsID available, gnomAD 0.006%). This variant has not been reported in the literature in individuals affected with PRKAR1A-related conditions. ClinVar contains an entry for this variant (Variation ID: 1000356). Invitae Evidence Modeling incorporating data from in vitro experimental studies (internal data) indicates that this missense variant is expected to disrupt PRKAR1A function with a positive predictive value of 95%. In summary, the available evidence is currently insufficient to determine the role of this variant in disease. Therefore, it has been classified as a Variant of Uncertain Significance.

Ambry Genetics
Classification: Uncertain significance for Hereditary cancer-predisposing syndrome. Last evaluated: 2024-04-04. Review status: criteria provided, single submitter. Criteria: Ambry Variant Classification Scheme 2023. Collection method: clinical testing. Allele origin: germline.
Comment: The p.P210L variant (also known as c.629C>T), located in coding exon 6 of the PRKAR1A gene, results from a C to T substitution at nucleotide position 629. The proline at codon 210 is replaced by leucine, an amino acid with similar properties. This amino acid position is highly conserved in available vertebrate species. In addition, this alteration is predicted to be deleterious by in silico analysis. Based on the available evidence, the clinical significance of this alteration remains unclear.